The following is an entry in ClinVar:

ClinVar aggregate classification (germline): Uncertain significance. Review status: criteria provided, multiple submitters, no conflicts (2 of 4 stars). 2 submissions from 2 submitters: Uncertain significance (2). Last evaluated 2024-10-25.

Conditions:
Brugada syndrome. Also called: Sudden Unexplained Death Syndrome; Sudden Unexplained Nocturnal Death Syndrome (SUNDS); Sudden unexplained nocturnal death syndrome; Sudden unexpected nocturnal death syndrome. Identifiers: Orphanet 130, MedGen C1142166, MONDO:0015263.

Allele frequency attached by ClinVar (database versions not stated): gnomAD exomes 0.00001 and 0.00006; TOPMed 0.00001; gnomAD 0.00002 and 0.00003.

Submissions (2):

Labcorp Genetics (formerly Invitae), Labcorp
Classification: Uncertain significance for Brugada syndrome. Last evaluated: 2024-10-25. Review status: criteria provided, single submitter. Criteria: Invitae Variant Classification Sherloc (09022015). Collection method: clinical testing. Allele origin: germline.
Comment: This sequence change replaces valine, which is neutral and non-polar, with aspartic acid, which is acidic and polar, at codon 88 of the KCNE5 protein (p.Val88Asp). The frequency data for this variant in the population databases is considered unreliable, as metrics indicate poor data quality at this position in the gnomAD database. This variant has not been reported in the literature in individuals affected with KCNE5-related conditions. ClinVar contains an entry for this variant (Variation ID: 463281). An algorithm developed to predict the effect of missense changes on protein structure and function outputs the following: PolyPhen-2: "Benign". The aspartic acid amino acid residue is found in multiple mammalian species, which suggests that this missense change does not adversely affect protein function. In summary, the available evidence is currently insufficient to determine the role of this variant in disease. Therefore, it has been classified as a Variant of Uncertain Significance.

Ambry Genetics
Classification: Uncertain significance. Last evaluated: 2023-11-28. Review status: criteria provided, single submitter. Criteria: Ambry Variant Classification Scheme 2023. Collection method: clinical testing. Allele origin: germline.
Comment: The p.V88D variant (also known as c.263T>A), located in coding exon 1 of the KCNE5 gene, results from a T to A substitution at nucleotide position 263. The valine at codon 88 is replaced by aspartic acid, an amino acid with highly dissimilar properties. This amino acid position is conserved. In addition, this alteration is predicted to be tolerated by in silico analysis. Since supporting evidence is limited at this time, the clinical significance of this alteration remains unclear.

NM_012282.4(KCNE5):c.263T>A (p.Val88Asp)

Gene: KCNE5 (potassium voltage-gated channel subfamily E regulatory subunit 5; minus strand). Cytogenetic location: Xq23.
Variant type: single nucleotide variant.
Coding change: c.263T>A on transcript NM_012282.4 (MANE Select); coding-DNA position 263, T replaced by A.
Protein change: p.Val88Asp; replaces valine 88 with aspartic acid.
Molecular consequence: missense variant.
Genome position (GRCh38, 1-based): chrX:109,624,758, A>T on the plus strand (T>A on the coding strand, the complement: KCNE5 is on the minus strand). VCF-style: chrX-109624758-A-T. GRCh37 (hg19) VCF-style: chrX-108867987-A-T.
Other names: short protein forms V88D.
Identifiers: ClinVar variation 463281 (VCV000463281.7), dbSNP rs1420621771, ClinGen allele CA414213402.
Genomic context (GRCh38, chrX:109,624,758, plus strand): 5'-GCGCCTCCCGGGGCCCATTCGTGCTCGGCGCAAGCCTGGGACGGCTCGTCCTTGGCCTCG[A>T]CGAGCTTACGGGAGCGGGTGTAGGCCAGGATGAGGCCTCCGGCCAAGCAGGCGTAGAAGA-3'
Protein context (NP_036414.1, residues 78-98): ILAYTRSRKL[Val88Asp]EAKDEPSQAC